The following is an entry in ClinVar:

NM_203288.2(RP9):c.156C>T (p.Tyr52=)

Gene: RP9 (RP9 pre-mRNA splicing factor; minus strand). Cytogenetic location: 7p14.3.
Variant type: single nucleotide variant.
Coding change: c.156C>T on transcript NM_203288.2 (MANE Select); coding-DNA position 156, C replaced by T.
Protein change: p.Tyr52=; no amino-acid change (tyrosine 52 retained).
Molecular consequence: synonymous variant.
Genome position (GRCh38, 1-based): chr7:33,100,558, G>A on the plus strand (C>T on the coding strand, the complement: RP9 is on the minus strand). VCF-style: chr7-33100558-G-A. GRCh37 (hg19) VCF-style: chr7-33140170-G-A.
Identifiers: ClinVar variation 360046 (VCV000360046.15), dbSNP rs115938195, ClinGen allele CA4213808.

ClinVar aggregate classification (germline): Benign. Review status: criteria provided, multiple submitters, no conflicts (2 of 4 stars). 3 submissions from 3 submitters: Benign (3). Last evaluated 2026-01-27.

Conditions:
RP9-related disorder. Also called: RP9-related condition.
Retinitis pigmentosa (RP). Identifiers: Orphanet 791, MedGen C0035334, MeSH D012174, MONDO:0019200, OMIM 268000. Inheritance: Autosomal dominant, autosomal recessive and X linked inheritance.

Allele frequency attached by ClinVar (database versions not stated): gnomAD exomes 0.00088; ExAC 0.00112; gnomAD 0.00363 and 0.00378; ESP Exome Variant Server 0.00408; TOPMed 0.00412; 1000 Genomes Project 0.00559; 1000 Genomes Project 30x 0.00609.

Submissions (3):

Labcorp Genetics (formerly Invitae), Labcorp
Classification: Benign. Last evaluated: 2026-01-27. Review status: criteria provided, single submitter. Criteria: Invitae Variant Classification Sherloc (09022015). Collection method: clinical testing. Allele origin: germline.

PreventionGenetics, part of Exact Sciences
Classification: Benign for RP9-related condition. Last evaluated: 2025-08-25. Review status: criteria provided, single submitter. Criteria: ACMG Guidelines, 2015. Collection method: clinical testing. Allele origin: germline.
Comment: This variant is classified as benign based on ACMG/AMP sequence variant interpretation guidelines (Richards et al. 2015 PMID: 25741868, with internal and published modifications).

Illumina Laboratory Services, Illumina
Classification: Benign for Retinitis pigmentosa. Last evaluated: 2018-01-12. Review status: criteria provided, single submitter. Criteria: ICSL Variant Classification Criteria 13 December 2019. Collection method: clinical testing. Allele origin: germline.
Comment: This variant was observed in the ICSL laboratory as part of a predisposition screen in an ostensibly healthy population. It had not been previously curated by ICSL or reported in the Human Gene Mutation Database (HGMD: prior to June 1st, 2018), and was therefore a candidate for classification through an automated scoring system. Utilizing variant allele frequency, disease prevalence and penetrance estimates, and inheritance mode, an automated score was calculated to assess if this variant is too frequent to cause the disease. Based on the score and internal cut-off values, a variant classified as benign is not then subjected to further curation. The score for this variant resulted in a classification of benign for this disease.